The following is an entry in ClinVar:

NM_001365951.3(KIF1B):c.156C>T (p.Phe52=)

Gene: KIF1B (kinesin family member 1B; plus strand). Cytogenetic location: 1p36.22.
Variant type: single nucleotide variant.
Coding change: c.156C>T on transcript NM_001365951.3 (MANE Select); coding-DNA position 156, C replaced by T.
Protein change: p.Phe52=; no amino-acid change (phenylalanine 52 retained).
Molecular consequence: synonymous variant.
Genome position (GRCh38, 1-based): chr1:10,256,296, C>T. VCF-style: chr1-10256296-C-T. GRCh37 (hg19) VCF-style: chr1-10316354-C-T.
Other names: c.156C>T, p.Phe52= (NM_001365952.1, NM_001365953.1, NM_015074.3 and 1 more transcripts).
Identifiers: ClinVar variation 702469 (VCV000702469.27), dbSNP rs764651787, ClinGen allele CA580624.
Genomic context (GRCh38, chr1:10,256,296, plus strand): 5'-TTATCTTCTAGGTATTATTAACCCAAAGAATCCAAAGGAAGCTCCAAAGTCCTTCAGCTT[C>T]GACTATTCCTACTGGTCTCATACCTCAGTGAGTACCCTCATGCCACAGCACTGCCAGCTC-3'
Protein context (NP_001352880.1, residues 42-62): NPKEAPKSFS[Phe52=]DYSYWSHTSP

ClinVar aggregate classification (germline): Likely benign. Review status: criteria provided, multiple submitters, no conflicts (2 of 4 stars). 3 submissions from 3 submitters: Likely benign (3). Last evaluated 2025-10-18.

Conditions:
Charcot-Marie-Tooth disease type 2. Also called: Charcot-Marie-Tooth type 2. Identifiers: Orphanet 64746, MedGen C0270914, MONDO:0018993.

Allele frequency attached by ClinVar (database versions not stated): ExAC 0.00002; gnomAD exomes 0.00002 and 0.00003; gnomAD 0.00003; TOPMed 0.00005; 1000 Genomes Project 30x 0.00016.
gnomAD v4.1: 60 of 1,611,872 alleles (0.0037%); highest among the groups gnomAD compares: African/African-American, 0.0053%; no homozygotes.

Submissions (3):

Labcorp Genetics (formerly Invitae), Labcorp
Classification: Likely benign for Charcot-Marie-Tooth disease type 2. Last evaluated: 2025-10-18. Review status: criteria provided, single submitter. Criteria: Invitae Variant Classification Sherloc (09022015). Collection method: clinical testing. Allele origin: germline.

CeGaT Center for Human Genetics Tuebingen
Classification: Likely benign. Last evaluated: 2024-09-01. Review status: criteria provided, single submitter. Criteria: CeGaT Center For Human Genetics Tuebingen Variant Classification Criteria Version 2. Collection method: clinical testing. Allele origin: germline. Affected: yes. Observed: 1 variant allele.
Comment: KIF1B: BP4, BP7

Ambry Genetics
Classification: Likely benign. Last evaluated: 2020-11-02. Review status: criteria provided, single submitter. Criteria: Ambry Variant Classification Scheme 2023. Collection method: clinical testing. Allele origin: germline.